The following is an entry in ClinVar:

ClinVar aggregate classification (germline): Conflicting classifications of pathogenicity. Review status: criteria provided, conflicting classifications (1 of 4 stars). 11 submissions from 11 submitters: Uncertain significance (7); Likely benign (1). 3 of the submissions do not count toward it. Last evaluated 2025-12-15.

Conditions:
TTN-related disorder. Also called: TTN-related condition; TTN-related disease; TTN-related disorders.
Cardiovascular phenotype. Identifiers: MedGen CN230736.
Autosomal recessive limb-girdle muscular dystrophy type 2J (LGMDR10). Also called: Limb-girdle muscular dystrophy, type 2J; MUSCULAR DYSTROPHY, LIMB-GIRDLE, AUTOSOMAL RECESSIVE 10. Identifiers: Orphanet 140922, MedGen C1837342, MONDO:0012127, OMIM 608807.
Dilated cardiomyopathy 1G (CMD1G). Identifiers: Orphanet 154, MedGen C1858763, MONDO:0011400, OMIM 604145.

Allele frequency attached by ClinVar (database versions not stated): ExAC 0.00003; gnomAD exomes 0.00003 and 0.00008; TOPMed 0.00004; gnomAD 0.00005.
gnomAD v4.1: 115 of 1,613,648 alleles (0.0071%); highest among the groups gnomAD compares: Non-Finnish European, 0.0095%; no homozygotes.

Submissions (11):

PreventionGenetics, part of Exact Sciences
Classification: Uncertain significance for TTN-related condition. Last evaluated: 2025-12-15. Review status: criteria provided, single submitter. Criteria: ACMG Guidelines, 2015. Collection method: clinical testing. Allele origin: germline.
Comment: The TTN c.92451G>T variant is predicted to result in the amino acid substitution p.Glu30817Asp. To our knowledge, this variant has not been reported in the literature. This variant is reported in 0.0070% of alleles in individuals of European (Non-Finnish) descent in gnomAD. At this time, the clinical significance of this variant is uncertain due to the absence of conclusive functional and genetic evidence.

Blueprint Genetics
Classification: Uncertain significance. Last evaluated: 2023-09-13. Review status: criteria provided, single submitter. Criteria: ACMG Guidelines, 2015. Collection method: clinical testing. Allele origin: germline.

Women's Health and Genetics/Laboratory Corporation of America, LabCorp
Classification: Uncertain significance. Last evaluated: 2022-08-22. Review status: criteria provided, single submitter. Criteria: LabCorp Variant Classification Summary - May 2015. Collection method: clinical testing. Allele origin: germline.
Comment: Variant summary: TTN c.84747G>T (p.Glu28249Asp) results in a conservative amino acid change located in the A band domain of the encoded protein sequence. Three of four in-silico tools predict a benign effect of the variant on protein function. The variant allele was found at a frequency of 2.8e-05 in 248686 control chromosomes (gnomAD). The available data on variant occurrences in the general population are insufficient to allow any conclusion about variant significance. c.84747G>T has been reported in a cohort of non-compaction cardiomyopathy patients and authors classified the variant as VUS (example: van Waning_2018). This report does not provide unequivocal conclusions about association of the variant with Dilated Cardiomyopathy. To our knowledge, no experimental evidence demonstrating an impact on protein function has been reported. Two clinical diagnostic laboratories have submitted clinical-significance assessments for this variant to ClinVar after 2014 and classified the variant as likely benign, and as uncertain significance. Based on the evidence outlined above, the variant was classified as uncertain significance

GeneDx
Classification: Likely benign. Last evaluated: 2021-05-27. Review status: criteria provided, single submitter. Criteria: GeneDx Variant Classification Process June 2021. Collection method: clinical testing. Allele origin: germline. Affected: yes.

Revvity Omics, Revvity
Classification: Uncertain significance. Last evaluated: 2020-07-27. Review status: criteria provided, single submitter. Criteria: ACMG Guidelines, 2015. Collection method: clinical testing. Allele origin: germline.

Ambry Genetics
Classification: Uncertain significance for Cardiovascular phenotype. Last evaluated: 2019-06-10. Review status: criteria provided, single submitter. Criteria: Ambry Variant Classification Scheme 2023. Collection method: clinical testing. Allele origin: germline.
Comment: The p.E21752D variant (also known as c.65256G>T), located in coding exon 166 of the TTN gene, results from a G to T substitution at nucleotide position 65256. The glutamic acid at codon 21752 is replaced by aspartic acid, an amino acid with highly similar properties. This amino acid position is highly conserved in available vertebrate species. In addition, this alteration is predicted to be tolerated by in silico analysis. Since supporting evidence is limited at this time, the clinical significance of this alteration remains unclear.

Labcorp Genetics (formerly Invitae), Labcorp
Classification: Uncertain significance for Dilated cardiomyopathy 1G; Autosomal recessive limb-girdle muscular dystrophy type 2J. Last evaluated: 2017-08-24. Review status: criteria provided, single submitter. Criteria: Invitae Variant Classification Sherloc (09022015). Collection method: clinical testing. Allele origin: germline.

Laboratory for Molecular Medicine, Mass General Brigham Personalized Medicine
Classification: Uncertain significance. Last evaluated: 2012-03-16. Review status: criteria provided, single submitter. Criteria: LMM Criteria. Collection method: clinical testing. Allele origin: germline. Observed: 1 variant allele.
Comment: The Glu28249Asp variant (TTN) has not been reported in the literature nor previo usly identified by our laboratory. Glutamic acid (Glu) at position 28249 is con served in evolution, suggesting that a change may impact the protein. Other com putational analyses (biochemical amino acid properties, AlignGVGD, PolyPhen2, an d SIFT) do not provide strong support for or against an impact to the protein. Additional information is needed to fully assess the clinical significance of th e Glu28249Asp variant.

Clinical Genetics DNA and cytogenetics Diagnostics Lab, Erasmus MC, Erasmus Medical Center
Classification: Uncertain significance. Review status: no assertion criteria provided. Collection method: clinical testing. Allele origin: germline. Affected: yes. Study: VKGL Data-share Consensus. Not counted in ClinVar's aggregate classification.

Clinical Genetics, Academic Medical Center
Classification: Uncertain significance. Review status: no assertion criteria provided. Collection method: clinical testing. Allele origin: germline. Affected: yes. Study: VKGL Data-share Consensus. Not counted in ClinVar's aggregate classification.

Joint Genome Diagnostic Labs from Nijmegen and Maastricht, Radboudumc and MUMC+
Classification: Uncertain significance. Review status: no assertion criteria provided. Collection method: clinical testing. Allele origin: germline. Affected: yes. Study: VKGL Data-share Consensus. Not counted in ClinVar's aggregate classification.

Literature cited by the submitters: PubMed 29447731 (cited by Women's Health and Genetics/Laboratory Corporation of America, LabCorp).

NM_001267550.2(TTN):c.92451G>T (p.Glu30817Asp)

Genes: TTN (titin; minus strand), TTN-AS1 (TTN antisense RNA 1; plus strand). Cytogenetic location: 2q31.2.
Variant type: single nucleotide variant.
Coding change: c.92451G>T on transcript NM_001267550.2 (MANE Select); coding-DNA position 92451, G replaced by T.
Protein change: p.Glu30817Asp; replaces glutamic acid 30817 with aspartic acid.
Molecular consequence: missense variant.
Genome position (GRCh38, 1-based): chr2:178,549,175, C>A on the plus strand (G>T on the coding strand, the complement: TTN is on the minus strand). VCF-style: chr2-178549175-C-A. GRCh37 (hg19) VCF-style: chr2-179413902-C-A.
Other names: c.87528G>T, p.Glu29176Asp (NM_001256850.1); c.84747G>T, p.Glu28249Asp (NM_133378.4); c.65256G>T, p.Glu21752Asp (NM_003319.4); c.65631G>T, p.Glu21877Asp (NM_133432.3); c.65832G>T, p.Glu21944Asp (NM_133437.4); short protein forms E30817D, E28249D, E29176D, E21752D, E21944D, E21877D.
Identifiers: ClinVar variation 47524 (VCV000047524.21), dbSNP rs397517755, ClinGen allele CA141261.
Genomic context (GRCh38, chr2:178,549,175, plus strand): 5'-AGTTGTCTTTGATGTGTCTGTTACTTTGACCACTGTGGGAGGACCTGGTGGGTTGACGGG[C>A]TCTCTACATTTAATGAGTCTTGAGATGCCACTTGCAGGTCCAACTCCTGCAGCATTTTCA-3'
Protein context (NP_001254479.2, residues 30807-30827): SGISRLIKCR[Glu30817Asp]PVNPPGPPTV